The following is an entry in ClinVar:

ClinVar aggregate classification (germline): Uncertain significance (1 of 4 stars; one submission).

Submission:

Dasa
Classification: Uncertain significance. Last evaluated: 2026-04-26. Review status: criteria provided, single submitter. Criteria: DASA Assertion Criteria. Collection method: clinical testing. Allele origin: germline.
Comment: NM_001099857.5(IKBKG):c.146A>T (p.Glu49Val) is a missense variant that results in the substitution of glutamic acid with valine. This variant is rare in population databases. The currently available literature and clinical evidence are not sufficient to establish a definitive association between this variant and the reported condition. Therefore, this variant is classified as a variant of uncertain significance.

NM_001099857.5(IKBKG):c.146A>T (p.Glu49Val)

Gene: IKBKG (inhibitor of nuclear factor kappa B kinase regulatory subunit gamma; plus strand). Cytogenetic location: Xq28.
Variant type: single nucleotide variant.
Coding change: c.146A>T on transcript NM_001099857.5 (MANE Select); coding-DNA position 146, A replaced by T.
Protein change: p.Glu49Val; replaces glutamic acid 49 with valine.
Molecular consequence: missense variant. On other transcripts: non-coding transcript variant (1).
Genome position (GRCh38, 1-based): chrX:154,552,148, A>T. VCF-style: chrX-154552148-A-T. GRCh37 (hg19) VCF-style: chrX-153780363-A-T.
Other names: c.350A>T, p.Glu117Val (NM_001099856.6); c.146A>T, p.Glu49Val (NM_001145255.4, NM_001321396.3, NM_001321397.3 and 5 more transcripts); short protein forms E117V, E49V.
Identifiers: ClinVar variation 4885543 (VCV004885543.2).